The following is an entry in ClinVar:

ClinVar aggregate classification (germline): Uncertain significance (1 of 4 stars; one submission).

Conditions:
Catecholaminergic polymorphic ventricular tachycardia 1. Also called: VENTRICULAR TACHYCARDIA, CATECHOLAMINERGIC POLYMORPHIC, 1, WITH OR WITHOUT ATRIAL DYSFUNCTION AND/OR DILATED CARDIOMYOPATHY; VENTRICULAR TACHYCARDIA, STRESS-INDUCED POLYMORPHIC 1; RYR2-Related Catecholaminergic Polymorphic Ventricular Tachycardia. Identifiers: Orphanet 3286, MedGen C1631597, MONDO:0011484, OMIM 604772.

Allele frequency attached by ClinVar (database versions not stated): TOPMed 0.00001.

Submission:

Labcorp Genetics (formerly Invitae), Labcorp
Classification: Uncertain significance for Catecholaminergic polymorphic ventricular tachycardia 1. Last evaluated: 2025-03-03. Review status: criteria provided, single submitter. Criteria: Invitae Variant Classification Sherloc (09022015). Collection method: clinical testing. Allele origin: germline.
Comment: This sequence change replaces histidine, which is basic and polar, with arginine, which is basic and polar, at codon 3174 of the RYR2 protein (p.His3174Arg). This variant is not present in population databases (gnomAD no frequency). This variant has not been reported in the literature in individuals affected with RYR2-related conditions. ClinVar contains an entry for this variant (Variation ID: 2134186). Invitae Evidence Modeling of protein sequence and biophysical properties (such as structural, functional, and spatial information, amino acid conservation, physicochemical variation, residue mobility, and thermodynamic stability) indicates that this missense variant is not expected to disrupt RYR2 protein function with a negative predictive value of 95%. In summary, the available evidence is currently insufficient to determine the role of this variant in disease. Therefore, it has been classified as a Variant of Uncertain Significance.

NM_001035.3(RYR2):c.9521A>G (p.His3174Arg)

Gene: RYR2 (ryanodine receptor 2; plus strand). Cytogenetic location: 1q43.
Variant type: single nucleotide variant.
Coding change: c.9521A>G on transcript NM_001035.3 (MANE Select); coding-DNA position 9521, A replaced by G.
Protein change: p.His3174Arg; replaces histidine 3174 with arginine.
Molecular consequence: missense variant.
Genome position (GRCh38, 1-based): chr1:237,705,284, A>G. VCF-style: chr1-237705284-A-G. GRCh37 (hg19) VCF-style: chr1-237868584-A-G.
Other names: short protein forms H3174R.
Identifiers: ClinVar variation 2134186 (VCV002134186.4), dbSNP rs1380440173, ClinGen allele CA345407683.